The following is an entry in ClinVar:

NC_000011.10:g.(?_108331434)_(108335971_?)dup

Gene: ATM (ATM serine/threonine kinase; plus strand). Cytogenetic location: 11q22.3.
Variant type: Duplication.
Identifiers: ClinVar variation 833434 (VCV000833434.5).

ClinVar aggregate classification (germline): Uncertain significance (1 of 4 stars; one submission).

Conditions:
Ataxia-telangiectasia syndrome (AT). Also called: Ataxia-telangiectasia, complementation group E; Ataxia telangiectasia (A-T); LOUIS-BAR SYNDROME; Ataxia-telangiectasia, complementation group D; AT, COMPLEMENTATION GROUP C; Ataxia-telangiectasia. Identifiers: Orphanet 100, MedGen C0004135, MONDO:0008840, OMIM 208900.

Submission:

Labcorp Genetics (formerly Invitae), Labcorp
Classification: Uncertain significance for Ataxia-telangiectasia syndrome. Last evaluated: 2019-04-01. Review status: criteria provided, single submitter. Criteria: Invitae Variant Classification Sherloc (09022015). Collection method: clinical testing. Allele origin: germline.
Comment: In summary, the available evidence is currently insufficient to determine the role of this variant in disease. Therefore, it has been classified as a Variant of Uncertain Significance. Experimental studies and prediction algorithms are not available for this variant, and the functional significance of the affected amino acid(s) is currently unknown. This variant has not been reported in the literature in individuals with ATM-related conditions. This variant results in a copy number gain of the genomic region encompassing exons 51-56 of the ATM gene. While the exact position of this variant cannot be determined from this data, sub-genic copy number gains are generally in tandem (PMID: 25640679). This variant would be expected to be in-frame, preserving the integrity of the reading frame.

Literature cited by the submitters: PubMed 25640679.